The following is an entry in ClinVar:

NC_000004.11:g.(151656519_151682934)_(151936650_?)dup

Gene: LRBA (LPS responsive beige-like anchor protein; minus strand). Cytogenetic location: 4q31.3.
Variant type: Duplication.
Identifiers: ClinVar variation 2691635 (VCV002691635.1).

ClinVar aggregate classification (germline): Uncertain significance (1 of 4 stars; one submission).

Submission:

Women's Health and Genetics/Laboratory Corporation of America, LabCorp
Classification: Uncertain significance. Last evaluated: 2023-12-12. Review status: criteria provided, single submitter. Criteria: LabCorp Variant Classification Summary - May 2015. Collection method: clinical testing. Allele origin: germline.
Comment: Variant summary: The variant involves the duplication of exons 1-35 in the LRBA gene. A presumed nomenclature of c.(?_-245)_(5645+1_5646-1)dup has been designated for the purposes of this classification. The exact breakpoint at the 5' end of this variant is unknown, therefore this duplication may extend upstream of the annotated region of this gene. It is predicted to duplicate a segment including the initiation codon, therefore its impact on the encoded protein is unknown. A large duplication variant (~388 kbp) that extends upstream of the gene was found at a frequency of 0.00046 in 441900 control chromosomes (i.e. in 205/464292 alleles), predominantly at a frequency of 0.0031 (32/10395 alleles) within the Ashkenazi Jewish subpopulation in the gnomAD database (CNVs v4.0 dataset). Although no homozygotes were reported, the relatively high frequency suggest that such large duplications might be benign. This large duplication variant has been reported in the literature in heterozygous state in an individual affected with Common Variable Immunodeficiency (Wan_2022), however no supportive evidence for causality was provided. These report(s) do not provide unequivocal conclusions about association of the variant with Common Variable Immunodeficiency 8, With Autoimmunity. The following publication have been ascertained in the context of this evaluation (PMID: 35486341). One submitter has cited clinical-significance assessments for this variant to ClinVar after 2014 and has classified the variant as uncertain significance. Based on the evidence outlined above, the variant was classified as uncertain significance.

Literature cited by the submitters: PubMed 35486341.